The following is an entry in ClinVar:

ClinVar aggregate classification (germline): Conflicting classifications of pathogenicity. Review status: criteria provided, conflicting classifications (1 of 4 stars). 5 submissions from 5 submitters: Pathogenic (2); Likely pathogenic (2); Uncertain significance (1). Last evaluated 2026-01-19.

Conditions:
ATP7B-related disorder. Also called: ATP7B-related condition.
Wilson disease (WND). Also called: Wilson's disease. Identifiers: Orphanet 905, MedGen C0019202, MONDO:0010200, OMIM 277900. Disease mechanism: loss of function.

Allele frequency attached by ClinVar (database versions not stated): gnomAD exomes below 0.00001 and 0.00001; ExAC 0.00001; TOPMed 0.00001.
gnomAD v4.1: 10 of 1,612,932 alleles (0.00062%); highest among the groups gnomAD compares: Non-Finnish European, 0.00076%; no homozygotes.

Submissions (5):

Labcorp Genetics (formerly Invitae), Labcorp
Classification: Pathogenic for Wilson disease. Last evaluated: 2026-01-19. Review status: criteria provided, single submitter. Criteria: Invitae Variant Classification Sherloc (09022015). Collection method: clinical testing. Allele origin: germline.
Comment: This sequence change replaces methionine, which is neutral and non-polar, with threonine, which is neutral and polar, at codon 996 of the ATP7B protein (p.Met996Thr). This variant is present in population databases (rs770782111, gnomAD 0.0009%). This missense change has been observed in individual(s) with Wilson disease (PMID: 16088907, 22677543, 23518715, 33640437; internal data). In at least one individual the data is consistent with being in trans (on the opposite chromosome) from a pathogenic variant. ClinVar contains an entry for this variant (Variation ID: 1067050). Invitae Evidence Modeling of protein sequence and biophysical properties (such as structural, functional, and spatial information, amino acid conservation, physicochemical variation, residue mobility, and thermodynamic stability) indicates that this missense variant is expected to disrupt ATP7B protein function with a positive predictive value of 80%. This variant disrupts the p.Met996 amino acid residue in ATP7B. Other variant(s) that disrupt this residue have been determined to be pathogenic (internal data). This suggests that this residue is clinically significant, and that variants that disrupt this residue are likely to be disease-causing. For these reasons, this variant has been classified as Pathogenic.

Color Diagnostics, LLC DBA Color Health
Classification: Likely pathogenic for Wilson disease. Last evaluated: 2025-09-05. Review status: criteria provided, single submitter. Criteria: ACMG Guidelines, 2015. Collection method: clinical testing. Allele origin: germline.
Comment: This missense variant replaces methionine with threonine at codon 996 in a transmembrane domain of the ATP7B protein. Computational prediction suggests that this variant may have deleterious impact on protein structure and function. To our knowledge, functional studies have not been reported for this variant. This variant has been observed in individuals affected with autosomal recessive Wilson disease (PMID: 16088907, 22677543, 23518715, 33640437, 39933775), with several cases confirmed to be biallelic. This variant has been identified in 1/247370 chromosomes in the general population by the Genome Aggregation Database (gnomAD). Based on the available evidence, this variant is classified as Likely Pathogenic.

Women's Health and Genetics/Laboratory Corporation of America, LabCorp
Classification: Pathogenic for Wilson disease. Last evaluated: 2024-08-01. Review status: criteria provided, single submitter. Criteria: LabCorp Variant Classification Summary - May 2015. Collection method: clinical testing. Allele origin: germline.
Comment: Variant summary: ATP7B c.2987T>C (p.Met996Thr) results in a non-conservative amino acid change in the encoded protein sequence. Five of five in-silico tools predict a damaging effect of the variant on protein function. The variant allele was found at a frequency of 4e-06 in 247370 control chromosomes. c.2987T>C has been reported in the literature in multiple individuals affected with Wilson Disease (Coffey_2013, Cox_2005, Collins_2021). These data indicate that the variant is very likely to be associated with disease. To our knowledge, no experimental evidence demonstrating an impact on protein function has been reported. The following publications have been ascertained in the context of this evaluation (PMID: 16088907, 23518715, 33640437). ClinVar contains an entry for this variant (Variation ID: 1067050). Based on the evidence outlined above, the variant was classified as pathogenic.

Natera, Inc.
Classification: Likely pathogenic for Wilson disease. Last evaluated: 2024-03-25. Review status: criteria provided, single submitter. Criteria: Natera Variant Classification Schema (03/2026). Collection method: clinical testing. Allele origin: germline.
Comment: The c.2987T>C variant in ATP7B is a missense variant predicted to cause substitution of methionine to threonine at amino acid 996. This variant is rare in the general population with a frequency below the threshold expected for the associated phenotype(s). This variant has been observed in one or more individuals affected with the associated recessive disease, as either homozygous or compound heterozygous with a second variant (PMID: 23518715). Computational prediction algorithms indicate this variant is likely to affect gene or protein function. Given the available evidence, this variant is classified as Likely Pathogenic.

PreventionGenetics, part of Exact Sciences
Classification: Uncertain significance for ATP7B-related condition. Last evaluated: 2022-12-02. Review status: criteria provided, single submitter. Criteria: ACMG Guidelines, 2015. Collection method: clinical testing. Allele origin: germline.
Comment: The ATP7B c.2987T>C variant is predicted to result in the amino acid substitution p.Met996Thr. This variant was reported in a study of individuals with Wilson disease, although no additional functional or genetic evidence was reported that could help establish pathogenicity (Cox et al. 2005. PubMed ID: 16088907). It was also reported along with a pathogenic ATP7B variant in a patient diagnosed with Wilson disease (Collins et al. 2021. PubMed ID: 33640437). This variant is reported in 0.00089% of alleles in individuals of European (Non-Finnish) descent in gnomAD. Although we suspect that this variant may be pathogenic, at this time, the clinical significance of this variant is uncertain due to the absence of conclusive functional and genetic evidence.

Literature cited by the submitters: PubMed 16088907 (cited by 3 submitters); PubMed 22677543 (cited by Labcorp Genetics (formerly Invitae), Labcorp and Color Diagnostics, LLC DBA Color Health); PubMed 23518715 (cited by 4 submitters); PubMed 33640437 (cited by 3 submitters); PubMed 39933775 (cited by Color Diagnostics, LLC DBA Color Health).

NM_000053.4(ATP7B):c.2987T>C (p.Met996Thr)

Gene: ATP7B (ATPase copper transporting beta; minus strand). Cytogenetic location: 13q14.3.
Variant type: single nucleotide variant.
Coding change: c.2987T>C on transcript NM_000053.4 (MANE Select); coding-DNA position 2987, T replaced by C.
Protein change: p.Met996Thr; replaces methionine 996 with threonine.
Molecular consequence: missense variant.
Genome position (GRCh38, 1-based): chr13:51,946,357, A>G on the plus strand (T>C on the coding strand, the complement: ATP7B is on the minus strand). VCF-style: chr13-51946357-A-G. GRCh37 (hg19) VCF-style: chr13-52520493-A-G.
Other names: c.2366T>C, p.Met789Thr (NM_001005918.3); c.2654T>C, p.Met885Thr (NM_001243182.2); c.2753T>C, p.Met918Thr (NM_001330578.2); c.2735T>C, p.Met912Thr (NM_001330579.2); short protein forms M789T, M885T, M912T, M918T, M996T.
Identifiers: ClinVar variation 1067050 (VCV001067050.12), dbSNP rs770782111, ClinGen allele CA6988845.